The following is an entry in ClinVar:

ClinVar aggregate classification (germline): Uncertain significance (1 of 4 stars; one submission).

Allele frequency attached by ClinVar (database versions not stated): TOPMed 0.00004; gnomAD exomes 0.00002; gnomAD 0.00002.
gnomAD v4.1: 28 of 1,594,414 alleles (0.0018%); highest among the groups gnomAD compares: Middle Eastern, 0.017%; no homozygotes.

Submission:

Labcorp Genetics (formerly Invitae), Labcorp
Classification: Uncertain significance. Last evaluated: 2025-09-26. Review status: criteria provided, single submitter. Criteria: Invitae Variant Classification Sherloc (09022015). Collection method: clinical testing. Allele origin: germline.
Comment: This sequence change replaces arginine, which is basic and polar, with tryptophan, which is neutral and slightly polar, at codon 1514 of the MYH7B protein (p.Arg1514Trp). This variant is present in population databases (rs762002233, gnomAD 0.01%). This variant has not been reported in the literature in individuals affected with MYH7B-related conditions. ClinVar contains an entry for this variant (Variation ID: 2906730). Invitae Evidence Modeling of protein sequence and biophysical properties (such as structural, functional, and spatial information, amino acid conservation, physicochemical variation, residue mobility, and thermodynamic stability) indicates that this missense variant is expected to disrupt MYH7B protein function with a positive predictive value of 80%. In summary, the available evidence is currently insufficient to determine the role of this variant in disease. Therefore, it has been classified as a Variant of Uncertain Significance.

NM_020884.7(MYH7B):c.4414C>T (p.Arg1472Trp)

Gene: MYH7B (myosin heavy chain 7B; plus strand). Cytogenetic location: 20q11.22.
Variant type: single nucleotide variant.
Coding change: c.4414C>T on transcript NM_020884.7 (MANE Select); coding-DNA position 4414, C replaced by T.
Protein change: p.Arg1472Trp; replaces arginine 1472 with tryptophan.
Molecular consequence: missense variant.
Genome position (GRCh38, 1-based): chr20:34,999,279, C>T. VCF-style: chr20-34999279-C-T. GRCh37 (hg19) VCF-style: chr20-33587082-C-T.
Other names: short protein forms R1472W.
Identifiers: ClinVar variation 2906730 (VCV002906730.3), dbSNP rs762002233, ClinGen allele CA9828100.